The following is an entry in ClinVar:

NM_003982.4(SLC7A7):c.313G>A (p.Ala105Thr)

Gene: SLC7A7 (solute carrier family 7 member 7; minus strand). Cytogenetic location: 14q11.2.
Variant type: single nucleotide variant.
Coding change: c.313G>A on transcript NM_003982.4 (MANE Select); coding-DNA position 313, G replaced by A.
Protein change: p.Ala105Thr; replaces alanine 105 with threonine.
Molecular consequence: missense variant.
Genome position (GRCh38, 1-based): chr14:22,813,086, C>T on the plus strand (G>A on the coding strand, the complement: SLC7A7 is on the minus strand). VCF-style: chr14-22813086-C-T. GRCh37 (hg19) VCF-style: chr14-23282295-C-T.
Other names: c.313G>A, p.Ala105Thr (NM_001126105.3, NM_001126106.4); short protein forms A105T.
Identifiers: ClinVar variation 582434 (VCV000582434.9), dbSNP rs775943127, ClinGen allele CA7104733.

ClinVar aggregate classification (germline): Uncertain significance. Review status: criteria provided, multiple submitters, no conflicts (2 of 4 stars). 4 submissions from 4 submitters: Uncertain significance (3). 1 of the submissions does not count toward it. Last evaluated 2025-08-21.

Conditions:
Inborn genetic diseases. Identifiers: MedGen C0950123, MeSH D030342.
Lysinuric protein intolerance (LPI). Identifiers: Orphanet 470, MedGen C0268647, MONDO:0009109, OMIM 222700.

Allele frequency attached by ClinVar (database versions not stated): gnomAD exomes below 0.00001 and 0.00001; gnomAD 0.00001; TOPMed 0.00001; ExAC 0.00002.
gnomAD v4.1: 3 of 1,614,058 alleles (0.00019%); highest among the groups gnomAD compares: Admixed American, 0.0017%; no homozygotes.

Submissions (4):

Ambry Genetics
Classification: Uncertain significance for Inborn genetic diseases. Last evaluated: 2025-08-21. Review status: criteria provided, single submitter. Criteria: Ambry Variant Classification Scheme 2023. Collection method: clinical testing. Allele origin: germline.

Labcorp Genetics (formerly Invitae), Labcorp
Classification: Uncertain significance for Lysinuric protein intolerance. Last evaluated: 2021-08-31. Review status: criteria provided, single submitter. Criteria: Invitae Variant Classification Sherloc (09022015). Collection method: clinical testing. Allele origin: germline.
Comment: This sequence change replaces alanine with threonine at codon 105 of the SLC7A7 protein (p.Ala105Thr). The alanine residue is highly conserved and there is a small physicochemical difference between alanine and threonine. This variant is present in population databases (rs775943127, ExAC 0.02%). This variant has not been reported in the literature in individuals affected with SLC7A7-related conditions. Algorithms developed to predict the effect of missense changes on protein structure and function are either unavailable or do not agree on the potential impact of this missense change (SIFT: "Tolerated"; PolyPhen-2: "Probably Damaging"; Align-GVGD: "Class C0"). In summary, the available evidence is currently insufficient to determine the role of this variant in disease. Therefore, it has been classified as a Variant of Uncertain Significance.

Fulgent Genetics
Classification: Uncertain significance for Lysinuric protein intolerance. Last evaluated: 2021-08-18. Review status: criteria provided, single submitter. Criteria: ACMG Guidelines, 2015. Collection method: clinical testing. Allele origin: unknown.

Natera, Inc.
Classification: Uncertain significance for Lysinuric protein intolerance. Last evaluated: 2020-12-31. Review status: no assertion criteria provided. Collection method: clinical testing. Allele origin: germline. Not counted in ClinVar's aggregate classification.